The following is an entry in ClinVar:

NM_001267550.2(TTN):c.104168G>T (p.Arg34723Ile)

Genes: TTN (titin; minus strand), TTN-AS1 (TTN antisense RNA 1; plus strand). Cytogenetic location: 2q31.2.
Variant type: single nucleotide variant.
Coding change: c.104168G>T on transcript NM_001267550.2 (MANE Select); coding-DNA position 104168, G replaced by T.
Protein change: p.Arg34723Ile; replaces arginine 34723 with isoleucine.
Molecular consequence: missense variant.
Genome position (GRCh38, 1-based): chr2:178,532,447, C>A on the plus strand (G>T on the coding strand, the complement: TTN is on the minus strand). VCF-style: chr2-178532447-C-A. GRCh37 (hg19) VCF-style: chr2-179397174-C-A.
Other names: p.R33082I:AGA>ATA; c.99245G>T, p.Arg33082Ile (NM_001256850.1); c.76973G>T, p.Arg25658Ile (NM_003319.4); c.96464G>T, p.Arg32155Ile (NM_133378.4); c.77348G>T, p.Arg25783Ile (NM_133432.3); c.77549G>T, p.Arg25850Ile (NM_133437.4); short protein forms R33082I, R34723I, R25658I, R25783I, R25850I, R32155I.
Identifiers: ClinVar variation 203077 (VCV000203077.5), dbSNP rs794729564, ClinGen allele CA311169.

ClinVar aggregate classification (germline): Uncertain significance. Review status: criteria provided, multiple submitters, no conflicts (2 of 4 stars). 3 submissions from 3 submitters: Uncertain significance (3). Last evaluated 2025-08-14.

Conditions:
Dilated cardiomyopathy 1G (CMD1G). Identifiers: Orphanet 154, MedGen C1858763, MONDO:0011400, OMIM 604145.
Autosomal recessive limb-girdle muscular dystrophy type 2J (LGMDR10). Also called: MUSCULAR DYSTROPHY, LIMB-GIRDLE, AUTOSOMAL RECESSIVE 10; Limb-girdle muscular dystrophy, type 2J. Identifiers: Orphanet 140922, MedGen C1837342, MONDO:0012127, OMIM 608807.
Cardiomyopathy (CMYO). Also called: Cardiomyopathies. Identifiers: Orphanet 167848, MedGen C0878544, MONDO:0004994, HP:0001638. Inheritance: Various modes of inheritance.

Allele frequency attached by ClinVar (database versions not stated): gnomAD exomes below 0.00001; gnomAD 0.00001; TOPMed 0.00002.
gnomAD v4.1: 3 of 1,613,902 alleles (0.00019%); highest among the groups gnomAD compares: African/African-American, 0.004%; no homozygotes.

Submissions (3):

Labcorp Genetics (formerly Invitae), Labcorp
Classification: Uncertain significance for Dilated cardiomyopathy 1G; Autosomal recessive limb-girdle muscular dystrophy type 2J. Last evaluated: 2025-08-14. Review status: criteria provided, single submitter. Criteria: Invitae Variant Classification Sherloc (09022015). Collection method: clinical testing. Allele origin: germline.
Comment: This sequence change replaces arginine, which is basic and polar, with isoleucine, which is neutral and non-polar, at codon 34723 of the TTN protein (p.Arg34723Ile). This variant is not present in population databases (gnomAD no frequency). This variant has not been reported in the literature in individuals affected with TTN-related conditions. ClinVar contains an entry for this variant (Variation ID: 203077). Experimental studies and prediction algorithms are not available or were not evaluated, and the functional significance of this variant is currently unknown. This variant is located in the M band of TTN (PMID: 25589632). Non-truncating variants in this region may be relevant for neuromuscular disorders, but have not been definitively shown to cause cardiomyopathy (PMID: 23975875). In summary, the available evidence is currently insufficient to determine the role of this variant in disease. Therefore, it has been classified as a Variant of Uncertain Significance.

CHEO Genetics Diagnostic Laboratory, Children's Hospital of Eastern Ontario
Classification: Uncertain significance for Cardiomyopathy. Last evaluated: 2016-08-30. Review status: criteria provided, single submitter. Criteria: ACMG Guidelines, 2015. Collection method: clinical testing. Allele origin: germline. Study: Canadian Open Genetics Repository.

GeneDx
Classification: Uncertain significance. Last evaluated: 2014-02-20. Review status: criteria provided, single submitter. Criteria: GeneDx Variant Classification (06012015). Collection method: clinical testing. Allele origin: germline. Affected: yes.
Comment: Missense variants in the TTN gene are considered 'unclassified' if they are not previously reported in the literature and do not have >1% frequency in the population to be considered a polymorphism. Research indicates that truncating mutations in the TTN gene are expected to account for approximately 25% of familial and 18% of sporadic idiopathic DCM; however, truncating variants in the TTN gene have been reported in approximately 3% of reported control alleles. There has been little investigation into non-truncating variants. (Herman D et al. Truncations of titin causing dilated cardiomyopathy. N Eng J Med 366:619-628, 2012) The variant is found in DCM-CRDM panel(s).

Literature cited by the submitters: PubMed 25589632 (cited by Labcorp Genetics (formerly Invitae), Labcorp); PubMed 23975875 (cited by Labcorp Genetics (formerly Invitae), Labcorp).